The following is an entry in ClinVar:

NM_004260.4(RECQL4):c.2903T>C (p.Val968Ala)

Gene: RECQL4 (RecQ like helicase 4; minus strand). Cytogenetic location: 8q24.3.
Variant type: single nucleotide variant.
Coding change: c.2903T>C on transcript NM_004260.4 (MANE Select); coding-DNA position 2903, T replaced by C.
Protein change: p.Val968Ala; replaces valine 968 with alanine.
Molecular consequence: missense variant.
Genome position (GRCh38, 1-based): chr8:144,512,544, A>G on the plus strand (T>C on the coding strand, the complement: RECQL4 is on the minus strand). VCF-style: chr8-144512544-A-G. GRCh37 (hg19) VCF-style: chr8-145737927-A-G.
Other names: c.2609T>C, p.Val870Ala (NM_001413017.1); c.2705T>C, p.Val902Ala (NM_001413018.1); c.2978T>C, p.Val993Ala (NM_001413019.1); c.2807T>C, p.Val936Ala (NM_001413020.1); c.1832T>C, p.Val611Ala (NM_001413021.1, NM_001413022.1, NM_001413024.1 and 4 more transcripts); c.1907T>C, p.Val636Ala (NM_001413023.1); c.2774T>C, p.Val925Ala (NM_001413025.1); c.1766T>C, p.Val589Ala (NM_001413027.1, NM_001413030.1, NM_001413032.1); and 9 more; short protein forms V479A, V851A, V902A, V611A, V924A, V936A, V545A, V589A.
Identifiers: ClinVar variation 2197498 (VCV002197498.4), dbSNP rs2537987882, ClinGen allele CA372673582.

ClinVar aggregate classification (germline): Uncertain significance (1 of 4 stars; one submission).

Conditions:
Baller-Gerold syndrome (BGS). Also called: CRANIOSYNOSTOSIS WITH RADIAL DEFECTS. Identifiers: Orphanet 1225, MedGen C0265308, MONDO:0009039, OMIM 218600.

Allele frequency attached by ClinVar (database versions not stated): gnomAD exomes below 0.00001.
gnomAD v4.1: 1 of 1,612,566 alleles (0.000062%); highest among the groups gnomAD compares: Non-Finnish European, 0.000085%; no homozygotes.

Submission:

Labcorp Genetics (formerly Invitae), Labcorp
Classification: Uncertain significance for Baller-Gerold syndrome. Last evaluated: 2025-11-27. Review status: criteria provided, single submitter. Criteria: Invitae Variant Classification Sherloc (09022015). Collection method: clinical testing. Allele origin: germline.
Comment: This sequence change replaces valine, which is neutral and non-polar, with alanine, which is neutral and non-polar, at codon 968 of the RECQL4 protein (p.Val968Ala). This variant is not present in population databases (gnomAD no frequency). This variant has not been reported in the literature in individuals affected with RECQL4-related conditions. ClinVar contains an entry for this variant (Variation ID: 2197498). Invitae Evidence Modeling of protein sequence and biophysical properties (such as structural, functional, and spatial information, amino acid conservation, physicochemical variation, residue mobility, and thermodynamic stability) indicates that this missense variant is not expected to disrupt RECQL4 protein function with a negative predictive value of 80%. In summary, the available evidence is currently insufficient to determine the role of this variant in disease. Therefore, it has been classified as a Variant of Uncertain Significance.